The following is an entry in ClinVar:

NM_001009944.3(PKD1):c.11874_11902del (p.Ala3959fs)

Gene: PKD1 (polycystin 1, transient receptor potential channel interacting; minus strand). Cytogenetic location: 16p13.3.
Variant type: Deletion.
Coding change: c.11874_11902del on transcript NM_001009944.3 (MANE Select); coding-DNA positions 11874 to 11902, 29 bases deleted (CGCTGACCGCCAGTGGACCCGTTTCGTGC).
Protein change: p.Ala3959fs; shifts the reading frame from alanine 3959.
Molecular consequence: frameshift variant.
Genome position (GRCh38, 1-based): chr16:2,090,985-2,091,013, GCACGAAACGGGTCCACTGGCGGTCAGCG deleted on the plus strand (CGCTGACCGCCAGTGGACCCGTTTCGTGC on the coding strand, the reverse complement: PKD1 is on the minus strand); deleting any 29 consecutive bases within chr16:2,090,985-2,091,017 gives the same sequence; the c. name uses the placement nearest the transcript's 3' end. VCF-style (leftmost placement, unchanged base first): chr16-2090984-CGCACGAAACGGGTCCACTGGCGGTCAGCG-C. GRCh37 (hg19) VCF-style: chr16-2140985-CGCACGAAACGGGTCCACTGGCGGTCAGCG-C.
Other names: c.11871_11899del, p.Ala3958fs (NM_000296.4); short protein forms A3958fs, A3959fs.
Identifiers: ClinVar variation 5019160 (VCV005019160.1).

ClinVar aggregate classification (germline): Pathogenic (1 of 4 stars; one submission).

Conditions:
Polycystic kidney disease, adult type (PKD1). Also called: POLYCYSTIC KIDNEY DISEASE 1 WITH OR WITHOUT POLYCYSTIC LIVER DISEASE; POLYCYSTIC KIDNEY DISEASE, ADULT, TYPE I; Polycystic Kidney Disease 1, Autosomal Dominant; Polycystic kidney disease 1; Polycystic kidney disease 1, severe; Polycystic Kidney, Autosomal Dominant. Identifiers: MedGen C3149841, MONDO:0008263, OMIM 173900.

Submission:

Juno Genomics, Hangzhou Juno Genomics, Inc
Classification: Pathogenic for Polycystic kidney disease, adult type. Review status: criteria provided, single submitter. Criteria: ACMG Guidelines, 2015. Collection method: clinical testing. Allele origin: germline. Affected: yes.
Comment: Absent from controls (or at extremely low frequency if recessive) in Genome Aggregation Database.;Null variant in a gene where loss of function (LOF) is a known mechanism of disease.;Patient's phenotype or family history is highly specific for a disease with a single genetic etiology.